The following is an entry in ClinVar:

NM_006767.4(LZTR1):c.112dup (p.Val38fs)

Genes: LZTR1 (leucine zipper like post translational regulator 1; plus strand), LOC130067016 (ATAC-STARR-seq lymphoblastoid silent region 13504; plus strand). Cytogenetic location: 22q11.21.
Variant type: Duplication.
Coding change: c.112dup on transcript NM_006767.4 (MANE Select); coding-DNA position 112, one base duplicated (G; older notation c.112dupG).
Protein change: p.Val38fs; shifts the reading frame from valine 38.
Molecular consequence: frameshift variant.
Genome position (GRCh38, 1-based): chr22:20,982,483, G duplicated. VCF-style (leftmost placement, unchanged base first): chr22-20982482-T-TG. GRCh37 (hg19) VCF-style: chr22-21336771-T-TG.
Other names: short protein forms V38fs.
Identifiers: ClinVar variation 3692284 (VCV003692284.2).

ClinVar aggregate classification (germline): Pathogenic (1 of 4 stars; one submission).

Submission:

Labcorp Genetics (formerly Invitae), Labcorp
Classification: Pathogenic. Last evaluated: 2024-04-01. Review status: criteria provided, single submitter. Criteria: Invitae Variant Classification Sherloc (09022015). Collection method: clinical testing. Allele origin: germline.
Comment: This sequence change creates a premature translational stop signal (p.Val38Glyfs*40) in the LZTR1 gene. It is expected to result in an absent or disrupted protein product. Loss-of-function variants in LZTR1 are known to be pathogenic (PMID: 24362817, 25335493, 25480913, 25795793, 29469822, 30368668, 30442762, 30442766, 30481304, 30859559). This variant is not present in population databases (gnomAD no frequency). This variant has not been reported in the literature in individuals affected with LZTR1-related conditions. For these reasons, this variant has been classified as Pathogenic.

Literature cited by the submitters: PubMed 24362817; PubMed 25335493; PubMed 25480913; PubMed 25795793; PubMed 29469822; PubMed 30368668; PubMed 30442762; PubMed 30442766; PubMed 30481304; PubMed 30859559.